The following is an entry in ClinVar:

ClinVar aggregate classification (germline): Uncertain significance (1 of 4 stars; one submission).

Submission:

GeneDx
Classification: Uncertain significance. Last evaluated: 2025-05-15. Review status: criteria provided, single submitter. Criteria: GeneDx Variant Classification Process June 2021. Collection method: clinical testing. Allele origin: germline. Affected: yes.
Comment: Not observed at significant frequency in large population cohorts (gnomAD); In silico analysis suggests that this missense variant does not alter protein structure/function; Has not been previously published as pathogenic or benign to our knowledge

NM_030912.3(TRIM8):c.1294G>C (p.Ala432Pro)

Gene: TRIM8 (tripartite motif containing 8; plus strand). Cytogenetic location: 10q24.32.
Variant type: single nucleotide variant.
Coding change: c.1294G>C on transcript NM_030912.3 (MANE Select); coding-DNA position 1294, G replaced by C.
Protein change: p.Ala432Pro; replaces alanine 432 with proline.
Molecular consequence: missense variant. On other transcripts: non-coding transcript variant (1).
Genome position (GRCh38, 1-based): chr10:102,656,992, G>C. VCF-style: chr10-102656992-G-C. GRCh37 (hg19) VCF-style: chr10-104416749-G-C.
Other names: c.1198G>C, p.Ala400Pro (NM_001345950.1); short protein forms A400P, A432P.
Identifiers: ClinVar variation 4529593 (VCV004529593.1).
Genomic context (GRCh38, chr10:102,656,992, plus strand): 5'-TCTGGGCAGCCCCTGGGGCCCTGCAGCTCCACGCAGCACTTGGTGGCCCTGCCGGGCGGC[G>C]CCCAACCAGTGCACTCAAGCCCCGTGTTCCCCCCATCGCAGTATCCCAATGGCTCCGCCG-3'
Protein context (NP_112174.2, residues 422-442): TQHLVALPGG[Ala432Pro]QPVHSSPVFP